The following is an entry in ClinVar:

NM_001160372.4(TRAPPC9):c.814C>A (p.Gln272Lys)

Gene: TRAPPC9 (trafficking protein particle complex subunit 9; minus strand). Cytogenetic location: 8q24.3.
Variant type: single nucleotide variant.
Coding change: c.814C>A on transcript NM_001160372.4 (MANE Select); coding-DNA position 814, C replaced by A.
Protein change: p.Gln272Lys; replaces glutamine 272 with lysine.
Molecular consequence: missense variant. On other transcripts: non-coding transcript variant (1).
Genome position (GRCh38, 1-based): chr8:140,435,157, G>T on the plus strand (C>A on the coding strand, the complement: TRAPPC9 is on the minus strand). VCF-style: chr8-140435157-G-T. GRCh37 (hg19) VCF-style: chr8-141445256-G-T.
Other names: c.814C>A, p.Gln272Lys (NM_001321646.2, NM_001374683.1, NM_001374684.1 and 1 more transcripts); c.835C>A, p.Gln279Lys (NM_001374682.1); short protein forms Q272K, Q279K.
Identifiers: ClinVar variation 977432 (VCV000977432.16), dbSNP rs144569575, ClinGen allele CA4893630.

ClinVar aggregate classification (germline): Uncertain significance. Review status: criteria provided, multiple submitters, no conflicts (2 of 4 stars). 5 submissions from 5 submitters: Uncertain significance (5). Last evaluated 2025-07-31.

Conditions:
Intellectual developmental disorder, autosomal recessive 13. Also called: Intellectual disability, autosomal recessive 13. Identifiers: Orphanet 88616, MedGen C2750791, MONDO:0013173, OMIM 613192.
Inborn genetic diseases. Identifiers: MedGen C0950123, MeSH D030342.

Allele frequency attached by ClinVar (database versions not stated): gnomAD exomes 0.00009; ESP Exome Variant Server 0.00031; gnomAD 0.00040 and 0.00039; TOPMed 0.00047; ExAC 0.00010; 1000 Genomes Project 30x 0.00078; 1000 Genomes Project 0.00080.
gnomAD v4.1: 117 of 1,614,178 alleles (0.0072%); highest among the groups gnomAD compares: African/African-American, 0.14%; no homozygotes.

Submissions (5):

Ambry Genetics
Classification: Uncertain significance for Inborn genetic diseases. Last evaluated: 2025-07-31. Review status: criteria provided, single submitter. Criteria: Ambry Variant Classification Scheme 2023. Collection method: clinical testing. Allele origin: germline.

Labcorp Genetics (formerly Invitae), Labcorp
Classification: Uncertain significance. Last evaluated: 2024-07-19. Review status: criteria provided, single submitter. Criteria: Invitae Variant Classification Sherloc (09022015). Collection method: clinical testing. Allele origin: germline.
Comment: This sequence change replaces glutamine, which is neutral and polar, with lysine, which is basic and polar, at codon 370 of the TRAPPC9 protein (p.Gln370Lys). This variant is present in population databases (rs144569575, gnomAD 0.1%). This variant has not been reported in the literature in individuals affected with TRAPPC9-related conditions. ClinVar contains an entry for this variant (Variation ID: 977432). An algorithm developed to predict the effect of missense changes on protein structure and function (PolyPhen-2) suggests that this variant¬†is likely to be tolerated. In summary, the available evidence is currently insufficient to determine the role of this variant in disease. Therefore, it has been classified as a Variant of Uncertain Significance.

GeneDx
Classification: Uncertain significance. Last evaluated: 2024-06-04. Review status: criteria provided, single submitter. Criteria: GeneDx Variant Classification Process June 2021. Collection method: clinical testing. Allele origin: germline. Affected: yes.
Comment: In silico analysis indicates that this missense variant does not alter protein structure/function; Has not been previously published as pathogenic or benign to our knowledge

New York Genome Center
Classification: Uncertain significance for Intellectual developmental disorder, autosomal recessive 13. Last evaluated: 2019-12-13. Review status: criteria provided, single submitter. Criteria: NYGC Assertion Criteria 2020. Collection method: clinical testing. Allele origin: germline. Observed: 1 heterozygote. Study: CSER-NYCKidSeq.

Genetic Services Laboratory, University of Chicago
Classification: Uncertain significance. Last evaluated: 2017-12-29. Review status: criteria provided, single submitter. Criteria: ACMG Guidelines, 2015. Collection method: clinical testing. Allele origin: germline. Affected: no.